The following is an entry in ClinVar:

NM_201384.3(PLEC):c.4864C>T (p.Arg1622Trp)

Gene: PLEC (plectin; minus strand). Cytogenetic location: 8q24.3.
Variant type: single nucleotide variant.
Coding change: c.4864C>T on transcript NM_201384.3 (MANE Select); coding-DNA position 4864, C replaced by T.
Protein change: p.Arg1622Trp; replaces arginine 1622 with tryptophan.
Molecular consequence: missense variant.
Genome position (GRCh38, 1-based): chr8:143,925,065, G>A on the plus strand (C>T on the coding strand, the complement: PLEC is on the minus strand). VCF-style: chr8-143925065-G-A. GRCh37 (hg19) VCF-style: chr8-144999233-G-A.
Other names: c.4945C>T, p.Arg1649Trp (NM_000445.5); c.4822C>T, p.Arg1608Trp (NM_201378.4); c.4798C>T, p.Arg1600Trp (NM_201379.3); c.5275C>T, p.Arg1759Trp (NM_201380.4); c.4768C>T, p.Arg1590Trp (NM_201381.3); c.4864C>T, p.Arg1622Trp (NM_201382.4); c.4876C>T, p.Arg1626Trp (NM_201383.3); short protein forms R1600W, R1608W, R1590W, R1622W, R1759W, R1626W, R1649W.
Identifiers: ClinVar variation 471596 (VCV000471596.9), dbSNP rs781964004, ClinGen allele CA4926518.

ClinVar aggregate classification (germline): Uncertain significance. Review status: criteria provided, multiple submitters, no conflicts (2 of 4 stars). 2 submissions from 2 submitters: Uncertain significance (2). Last evaluated 2025-04-07.

Conditions:
Epidermolysis bullosa simplex 5C, with pyloric atresia (EBS5C). Also called: PLEC1-Related Epidermolysis Bullosa with Pyloric Atresia; PLEC-Related Epidermolysis Bullosa with Pyloric Atresia; Epidermolysis bullosa simplex with pyloric atresia. Identifiers: Orphanet 158684, MedGen C2677349, MONDO:0012807, OMIM 612138.
Epidermolysis bullosa simplex 5B, with muscular dystrophy (EBS5B). Also called: Epidermolysis bullosa simplex with muscular dystrophy; EPIDERMOLYSIS BULLOSA SIMPLEX AND LIMB-GIRDLE MUSCULAR DYSTROPHY. Identifiers: Orphanet 257, MedGen C2931072, MONDO:0009181, OMIM 226670.
Autosomal recessive limb-girdle muscular dystrophy type 2Q (LGMDR17). Also called: MUSCULAR DYSTROPHY, LIMB-GIRDLE, AUTOSOMAL RECESSIVE 17. Identifiers: Orphanet 254361, MedGen C3150989, MONDO:0013390, OMIM 613723.
Epidermolysis bullosa simplex with nail dystrophy (EBS5D). Identifiers: MedGen C4225309, MONDO:0014661, OMIM 616487.
Epidermolysis bullosa simplex, Ogna type (EBS5A). Also called: Pidermolysis bullosa simplex 5A, Ogna type; EPIDERMOLYSIS BULLOSA SIMPLEX 5A, OGNA TYPE. Identifiers: Orphanet 79401, MedGen C0432317, MONDO:0007555, OMIM 131950.
PLEC-related disorder. Also called: PLEC-related condition; PLEC-related disorders.

Allele frequency attached by ClinVar (database versions not stated): ExAC below 0.00001; gnomAD 0.00001; gnomAD exomes 0.00001 and 0.00003; TOPMed 0.00003.
gnomAD v4.1: 15 of 1,539,538 alleles (0.00097%); highest among the groups gnomAD compares: East Asian, 0.0097%; no homozygotes.

Submissions (2):

Labcorp Genetics (formerly Invitae), Labcorp
Classification: Uncertain significance for Autosomal recessive limb-girdle muscular dystrophy type 2Q; Epidermolysis bullosa simplex, Ogna type; Epidermolysis bullosa simplex with nail dystrophy; Epidermolysis bullosa simplex 5C, with pyloric atresia; Epidermolysis bullosa simplex 5B, with muscular dystrophy. Last evaluated: 2025-04-07. Review status: criteria provided, single submitter. Criteria: Invitae Variant Classification Sherloc (09022015). Collection method: clinical testing. Allele origin: germline.
Comment: This sequence change replaces arginine, which is basic and polar, with tryptophan, which is neutral and slightly polar, at codon 1649 of the PLEC protein (p.Arg1649Trp). This variant is present in population databases (rs781964004, gnomAD 0.02%). This variant has not been reported in the literature in individuals affected with PLEC-related conditions. ClinVar contains an entry for this variant (Variation ID: 471596). Invitae Evidence Modeling of protein sequence and biophysical properties (such as structural, functional, and spatial information, amino acid conservation, physicochemical variation, residue mobility, and thermodynamic stability) indicates that this missense variant is not expected to disrupt PLEC protein function with a negative predictive value of 80%. In summary, the available evidence is currently insufficient to determine the role of this variant in disease. Therefore, it has been classified as a Variant of Uncertain Significance.

PreventionGenetics, part of Exact Sciences
Classification: Uncertain significance for PLEC-related condition. Last evaluated: 2023-03-27. Review status: criteria provided, single submitter. Criteria: ACMG Guidelines, 2015. Collection method: clinical testing. Allele origin: germline.
Comment: The PLEC c.4945C>T variant is predicted to result in the amino acid substitution p.Arg1649Trp. To our knowledge, this variant has not been reported in the literature. This variant is reported in 0.018% of alleles in individuals of East Asian descent in gnomAD. At this time, the clinical significance of this variant is uncertain due to the absence of conclusive functional and genetic evidence.